The following is an entry in ClinVar:

NM_000169.3(GLA):c.1133G>T (p.Cys378Phe)

Genes: GLA (galactosidase alpha; minus strand), RPL36A-HNRNPH2 (RPL36A-HNRNPH2 readthrough; plus strand). Cytogenetic location: Xq22.1.
Variant type: single nucleotide variant.
Coding change: c.1133G>T on transcript NM_000169.3 (MANE Select); coding-DNA position 1133, G replaced by T.
Protein change: p.Cys378Phe; replaces cysteine 378 with phenylalanine.
Molecular consequence: missense variant. On other transcripts: non-coding transcript variant (3), intron variant (2).
Genome position (GRCh38, 1-based): chrX:101,397,966, C>A on the plus strand (G>T on the coding strand, the complement: GLA is on the minus strand). VCF-style: chrX-101397966-C-A. GRCh37 (hg19) VCF-style: chrX-100652954-C-A.
Other names: c.1256G>T, p.Cys419Phe (NM_001406747.1); c.300+2509C>A (NM_001199973.2); c.177+6144C>A (NM_001199974.2); short protein forms C378F, C419F.
Identifiers: ClinVar variation 4087644 (VCV004087644.2).

ClinVar aggregate classification (germline): Likely pathogenic (1 of 4 stars; one submission).

Conditions:
Fabry disease. Also called: ALPHA-GALACTOSIDASE A DEFICIENCY; ANDERSON-FABRY DISEASE; CERAMIDE TRIHEXOSIDASE DEFICIENCY; GLA DEFICIENCY; HEREDITARY DYSTOPIC LIPIDOSIS; Angiokeratoma corporis diffusum. Identifiers: Orphanet 324, MedGen C0002986, MONDO:0010526, OMIM 301500, HP:0001071. Disease mechanism: Fabry disease is due to inactivating mutations in the X-linked GLA gene resulting in deficiency of the enzyme Alpha Galactosidase-A., loss of function.

Submission:

Genomenon, Inc
Classification: Likely pathogenic for Fabry disease. Last evaluated: 2026-09-08. Review status: criteria provided, single submitter. Criteria: Genomenon Sequence Variant Interpretation Standards - Updated. Collection method: curation. Allele origin: germline. Affected: yes.
Comment: GLA p.Cys378Phe (c.1133G>T) is a missense variant that changes the amino acid at codon 378 from Cysteine to Phenylalanine. This variant has been observed in at least one proband with clinical features consistent with Fabry disease (PMID:38947680;34205365). The variant was found to segregate with disease in at least one affected family (PMID:38947680). Functional or patient cell studies have been reported (PMID:38947680;34205365). This variant is located in a mutational hotspot and/or important functional domain. It is absent or not present at a significant frequency in gnomAD. In silico models predict that this variant is possibly or probably damaging. In conclusion, we classify GLA p.Cys378Phe (c.1133G>T) as a likely pathogenic variant.

Literature cited by the submitters: PubMed 38947680; PubMed 34205365.